The following is an entry in ClinVar:

ClinVar aggregate classification (germline): Uncertain significance. Review status: criteria provided, multiple submitters, no conflicts (2 of 4 stars). 2 submissions from 2 submitters: Uncertain significance (2). Last evaluated 2021-12-15.

Conditions:
Long QT syndrome (LQTS). Identifiers: MedGen C0023976, MeSH D008133, MONDO:0002442. Disease mechanism: loss of function. Inheritance: Various modes of inheritance.

Allele frequency attached by ClinVar (database versions not stated): gnomAD 0.00001; gnomAD exomes 0.00001 and 0.00002; TOPMed 0.00001; ExAC 0.00005.
gnomAD v4.1: 22 of 1,567,534 alleles (0.0014%); highest among the groups gnomAD compares: Middle Eastern, 0.037%; no homozygotes.

Submissions (2):

Department of Pathology and Laboratory Medicine, Sinai Health System
Classification: Uncertain significance for long QT syndrome. Last evaluated: 2021-12-15. Review status: criteria provided, single submitter. Criteria: ACMG Guidelines, 2015. Collection method: research. Allele origin: germline.

Labcorp Genetics (formerly Invitae), Labcorp
Classification: Uncertain significance for Long QT syndrome. Last evaluated: 2020-07-22. Review status: criteria provided, single submitter. Criteria: Invitae Variant Classification Sherloc (09022015). Collection method: clinical testing. Allele origin: germline.
Comment: In summary, the available evidence is currently insufficient to determine the role of this variant in disease. Therefore, it has been classified as a Variant of Uncertain Significance. Algorithms developed to predict the effect of missense changes on protein structure and function are either unavailable or do not agree on the potential impact of this missense change (SIFT: "Deleterious"; PolyPhen-2: "Benign"; Align-GVGD: "Class C0"). This variant has not been reported in the literature in individuals with AKAP9-related conditions. This variant is present in population databases (rs758832151, ExAC 0.009%). This sequence change replaces aspartic acid with tyrosine at codon 1239 of the AKAP9 protein (p.Asp1239Tyr). The aspartic acid residue is weakly conserved and there is a large physicochemical difference between aspartic acid and tyrosine.

NM_005751.5(AKAP9):c.3715G>T (p.Asp1239Tyr)

Gene: AKAP9 (A-kinase anchoring protein 9; plus strand). Cytogenetic location: 7q21.2.
Variant type: single nucleotide variant.
Coding change: c.3715G>T on transcript NM_005751.5 (MANE Select); coding-DNA position 3715, G replaced by T.
Protein change: p.Asp1239Tyr; replaces aspartic acid 1239 with tyrosine.
Molecular consequence: missense variant.
Genome position (GRCh38, 1-based): chr7:92,016,231, G>T. VCF-style: chr7-92016231-G-T. GRCh37 (hg19) VCF-style: chr7-91645545-G-T.
Other names: c.3715G>T, p.Asp1239Tyr (NM_147185.3); short protein forms D1239Y.
Identifiers: ClinVar variation 1038504 (VCV001038504.9), dbSNP rs758832151, ClinGen allele CA4336374.